The following is an entry in ClinVar:

NM_005228.5(EGFR):c.3214G>A (p.Asp1072Asn)

Gene: EGFR (epidermal growth factor receptor; plus strand). Cytogenetic location: 7p11.2.
Variant type: single nucleotide variant.
Coding change: c.3214G>A on transcript NM_005228.5 (MANE Select); coding-DNA position 3214, G replaced by A.
Protein change: p.Asp1072Asn; replaces aspartic acid 1072 with asparagine.
Molecular consequence: missense variant.
Genome position (GRCh38, 1-based): chr7:55,202,568, G>A. VCF-style: chr7-55202568-G-A. GRCh37 (hg19) VCF-style: chr7-55270261-G-A.
Other names: c.3079G>A, p.Asp1027Asn (NM_001346897.2, NM_001346899.2); c.3214G>A, p.Asp1072Asn (NM_001346898.2); c.3055G>A, p.Asp1019Asn (NM_001346900.2); c.2413G>A, p.Asp805Asn (NM_001346941.2); short protein forms D1027N, D1072N, D805N, D1019N.
Identifiers: ClinVar variation 962082 (VCV000962082.10), dbSNP rs1787896241, ClinGen allele CA367583349.

ClinVar aggregate classification (germline): Uncertain significance. Review status: criteria provided, multiple submitters, no conflicts (2 of 4 stars). 2 submissions from 2 submitters: Uncertain significance (2). Last evaluated 2025-06-10.

Conditions:
Hereditary cancer-predisposing syndrome. Also called: Tumor predisposition; Hereditary neoplastic syndrome; Hereditary Cancer Syndrome; Neoplastic Syndromes, Hereditary. Identifiers: Orphanet 140162, MedGen C0027672, MeSH D009386, MONDO:0015356.
EGFR-related lung cancer (EGFR). Identifiers: MedGen CN130014.

gnomAD v4.1: 4 of 1,613,412 alleles (0.00025%); highest among the groups gnomAD compares: Non-Finnish European, 0.00034%; no homozygotes.

Submissions (2):

Labcorp Genetics (formerly Invitae), Labcorp
Classification: Uncertain significance for EGFR-related lung cancer. Last evaluated: 2025-06-10. Review status: criteria provided, single submitter. Criteria: Invitae Variant Classification Sherloc (09022015). Collection method: clinical testing. Allele origin: germline.
Comment: This sequence change replaces aspartic acid, which is acidic and polar, with asparagine, which is neutral and polar, at codon 1072 of the EGFR protein (p.Asp1072Asn). This variant is not present in population databases (gnomAD no frequency). This variant has not been reported in the literature in individuals affected with EGFR-related conditions. ClinVar contains an entry for this variant (Variation ID: 962082). An algorithm developed to predict the effect of missense changes on protein structure and function (PolyPhen-2) suggests that this variant is likely to be disruptive. In summary, the available evidence is currently insufficient to determine the role of this variant in disease. Therefore, it has been classified as a Variant of Uncertain Significance.

Ambry Genetics
Classification: Uncertain significance for Hereditary cancer-predisposing syndrome. Last evaluated: 2025-03-28. Review status: criteria provided, single submitter. Criteria: Ambry Variant Classification Scheme 2023. Collection method: clinical testing. Allele origin: germline.
Comment: The p.D1072N variant (also known as c.3214G>A), located in coding exon 27 of the EGFR gene, results from a G to A substitution at nucleotide position 3214. The aspartic acid at codon 1072 is replaced by asparagine, an amino acid with highly similar properties. This amino acid position is highly conserved in available vertebrate species. In addition, this alteration is predicted to be tolerated by in silico analysis. Based on the available evidence, the clinical significance of this variant remains unclear.